The following is an entry in ClinVar:

NM_001009944.3(PKD1):c.3227C>G (p.Pro1076Arg)

Gene: PKD1 (polycystin 1, transient receptor potential channel interacting; minus strand). Cytogenetic location: 16p13.3.
Variant type: single nucleotide variant.
Coding change: c.3227C>G on transcript NM_001009944.3 (MANE Select); coding-DNA position 3227, C replaced by G.
Protein change: p.Pro1076Arg; replaces proline 1076 with arginine.
Molecular consequence: missense variant.
Genome position (GRCh38, 1-based): chr16:2,112,408, G>C on the plus strand (C>G on the coding strand, the complement: PKD1 is on the minus strand). VCF-style: chr16-2112408-G-C. GRCh37 (hg19) VCF-style: chr16-2162409-G-C.
Other names: c.3227C>G, p.Pro1076Arg (NM_000296.4); short protein forms P1076R.
Identifiers: ClinVar variation 4819412 (VCV004819412.1).
Genomic context (GRCh38, chr16:2,112,408, plus strand): 5'-GCGTAGGTGTGCATGACATTGTGCTCCACCAGCACCTGGGCCACCGAGGGGTCTGGAACC[G>C]GGAAGGACTCGTTGTACGGAGGCTGGAACTGGTGGAGGGCCTGCTCCCCATCCCCAAAGG-3'
Protein context (NP_001009944.3, residues 1066-1086): QFQPPYNESF[Pro1076Arg]VPDPSVAQVL

ClinVar aggregate classification (germline): Likely benign (1 of 4 stars; one submission).

Conditions:
Polycystic kidney disease, adult type (PKD1). Also called: Polycystic Kidney Disease 1, Autosomal Dominant; Polycystic kidney disease 1; Polycystic kidney disease 1, severe; Polycystic Kidney, Autosomal Dominant; POLYCYSTIC KIDNEY DISEASE 1 WITH OR WITHOUT POLYCYSTIC LIVER DISEASE; POLYCYSTIC KIDNEY DISEASE, ADULT, TYPE I. Identifiers: MedGen C3149841, MONDO:0008263, OMIM 173900.

Submission:

Centre for Medical Genetics,  Mumbai
Classification: Likely benign for Polycystic kidney disease, adult type. Last evaluated: 2026-03-09. Review status: criteria provided, single submitter. Criteria: ACMG Guidelines, 2015. Collection method: provider interpretation. Allele origin: germline. Inheritance: Autosomal dominant inheritance. Affected: no. Observed: 1 variant allele, 1 heterozygote.
Comment: The variant satisfies PM2 criteria; Extremely low frequency in gnomAD population databases. The variant satisfies BP4 criteria; For a missense or a splice region variant, computational prediction tools unanimously support a benign effect on the gene. However, the variant satisfies BS2 criteria.

Literature cited by the submitters: PubMed 7633405.